The following is an entry in ClinVar:

ClinVar aggregate classification (germline): Uncertain significance. Review status: criteria provided, single submitter (1 of 4 stars). 2 submissions from 2 submitters: Uncertain significance (1). 1 of the submissions does not count toward it. Last evaluated 2021-12-20.

Conditions:
SIM1-related disorder. Also called: SIM1-related condition; SIM1-related disorders.
Inborn genetic diseases. Identifiers: MedGen C0950123, MeSH D030342.

Allele frequency attached by ClinVar (database versions not stated): TOPMed 0.00002.
gnomAD v4.1: 3 of 1,614,126 alleles (0.00019%); highest among the groups gnomAD compares: African/African-American, 0.0013%; no homozygotes.

Submissions (2):

Ambry Genetics
Classification: Uncertain significance for Inborn genetic diseases. Last evaluated: 2021-12-20. Review status: criteria provided, single submitter. Criteria: Ambry Variant Classification Scheme 2023. Collection method: clinical testing. Allele origin: germline.

PreventionGenetics, part of Exact Sciences
Classification: Uncertain significance for SIM1-related condition. Last evaluated: 2024-03-12. Review status: no assertion criteria provided. Collection method: clinical testing. Allele origin: germline. Not counted in ClinVar's aggregate classification.
Comment: The SIM1 c.1300T>G variant is predicted to result in the amino acid substitution p.Cys434Gly. To our knowledge, this variant has not been reported in the literature. This variant is reported in 0.00088% of alleles in individuals of European (Non-Finnish) descent in gnomAD. At this time, the clinical significance of this variant is uncertain due to the absence of conclusive functional and genetic evidence.

NM_005068.3(SIM1):c.1300T>G (p.Cys434Gly)

Genes: SIM1 (SIM bHLH transcription factor 1; minus strand), SIM1-AS1 (SIM1 antisense RNA 1; plus strand). Cytogenetic location: 6q16.3.
Variant type: single nucleotide variant.
Coding change: c.1300T>G on transcript NM_005068.3 (MANE Select); coding-DNA position 1300, T replaced by G.
Protein change: p.Cys434Gly; replaces cysteine 434 with glycine.
Molecular consequence: missense variant.
Genome position (GRCh38, 1-based): chr6:100,393,757, A>C on the plus strand (T>G on the coding strand, the complement: SIM1 is on the minus strand). VCF-style: chr6-100393757-A-C. GRCh37 (hg19) VCF-style: chr6-100841633-A-C.
Other names: c.1300T>G, p.Cys434Gly (NM_001374769.1); short protein forms C434G.
Identifiers: ClinVar variation 2268385 (VCV002268385.3), dbSNP rs1268271111, ClinGen allele CA365299387.